The following is an entry in ClinVar:

NC_000005.10:g.(?_138781915)_(138934099_?)del

Genes: CTNNA1 (catenin alpha 1; plus strand), LRRTM2 (leucine rich repeat transmembrane neuronal 2; minus strand), LOC129994750 (ATAC-STARR-seq lymphoblastoid active region 23216; plus strand). Cytogenetic location: 5q31.2.
Variant type: Deletion.
Identifiers: ClinVar variation 646392 (VCV000646392.3).

ClinVar aggregate classification (germline): Uncertain significance (1 of 4 stars; one submission).

Submission:

Labcorp Genetics (formerly Invitae), Labcorp
Classification: Uncertain significance. Last evaluated: 2021-12-03. Review status: criteria provided, single submitter. Criteria: Invitae Variant Classification Sherloc (09022015). Collection method: clinical testing. Allele origin: germline.
Comment: A gross deletion of the genomic region encompassing the full coding sequence of the CTNNA1 gene has been identified. The current clinical and genetic evidence is not sufficient to establish whether loss-of-function variants in CTNNA1 cause disease. The boundaries of this event are unknown as they extend beyond the assayed region for this gene and therefore may encompass additional genes. A similar copy number variant has been observed in individual(s) with breast cancer (PMID: 32051609). In summary, the available evidence is currently insufficient to determine the role of this variant in disease. Therefore, it has been classified as a Variant of Uncertain Significance.

Literature cited by the submitters: PubMed 32051609.